The following is an entry in ClinVar:

NM_000548.5(TSC2):c.4671C>G (p.Ser1557Arg)

Gene: TSC2 (TSC complex subunit 2; plus strand). Cytogenetic location: 16p13.3.
Variant type: single nucleotide variant.
Coding change: c.4671C>G on transcript NM_000548.5 (MANE Select); coding-DNA position 4671, C replaced by G.
Protein change: p.Ser1557Arg; replaces serine 1557 with arginine.
Molecular consequence: missense variant.
Genome position (GRCh38, 1-based): chr16:2,086,201, C>G. VCF-style: chr16-2086201-C-G. GRCh37 (hg19) VCF-style: chr16-2136202-C-G.
Other names: c.4470C>G, p.Ser1490Arg (NM_001077183.3); c.4602C>G, p.Ser1534Arg (NM_001114382.3); c.4362C>G, p.Ser1454Arg (NM_001318827.2); c.4326C>G, p.Ser1442Arg (NM_001318829.2); c.3939C>G, p.Ser1313Arg (NM_001318831.2); c.4503C>G, p.Ser1501Arg (NM_001318832.2); c.4473C>G, p.Ser1491Arg (NM_001363528.2); c.4539C>G, p.Ser1513Arg (NM_001370404.1); and 1 more; short protein forms S1557R, S1501R, S1313R, S1442R, S1513R, S1454R, S1490R, S1514R.
Identifiers: ClinVar variation 230643 (VCV000230643.23), dbSNP rs151140709, ClinGen allele CA10579903.
Genomic context (GRCh38, chr16:2,086,201, plus strand): 5'-GCAGGGCCCGGCCCGGGAGTGATGCCACCCTGCCTCTCCCCTCTCCCCACAGAGCAACAG[C>G]GAGCTCGCCATCCTGTCCAATGAGCATGGCTCCTACAGGTACACGGAGTTCCTGACGGGC-3'
Protein context (NP_000539.2, residues 1547-1567): VLYVGEGQSN[Ser1557Arg]ELAILSNEHG

ClinVar aggregate classification (germline): Uncertain significance. Review status: criteria provided, multiple submitters, no conflicts (2 of 4 stars). 6 submissions from 6 submitters: Uncertain significance (6). Last evaluated 2026-04-10.

Conditions:
Lymphangiomyomatosis (LAM). Also called: Lymphangioleiomyomatosis; Lymphangioleiomyomatosis, somatic. Identifiers: Orphanet 538, MedGen C0751674, MONDO:0011705, OMIM 606690.
Isolated focal cortical dysplasia type II (FCORD2). Also called: Focal cortical dysplasia type II; CORTICAL DYSPLASIA OF TAYLOR. Identifiers: Orphanet 268994, MedGen C1846385, MONDO:0011818, OMIM 607341, HP:0032051.
Tuberous sclerosis 2 (TSC2). Identifiers: Orphanet 805, MedGen C1860707, MONDO:0013199, OMIM 613254.
Hereditary cancer-predisposing syndrome. Also called: Neoplastic Syndromes, Hereditary; Hereditary Cancer Syndrome; Tumor predisposition; Hereditary neoplastic syndrome. Identifiers: Orphanet 140162, MedGen C0027672, MeSH D009386, MONDO:0015356.
Tuberous sclerosis syndrome (TSC). Also called: Tuberous Sclerosis Complex; Tuberous sclerosis. Identifiers: Orphanet 805, MedGen C0041341, MONDO:0001734.

Submissions (6):

Ambry Genetics
Classification: Uncertain significance for Hereditary cancer-predisposing syndrome. Last evaluated: 2026-04-10. Review status: criteria provided, single submitter. Criteria: Ambry Variant Classification Scheme 2023. Collection method: clinical testing. Allele origin: germline.
Comment: The p.S1557R variant (also known as c.4671C>G), located in coding exon 36 of the TSC2 gene, results from a C to G substitution at nucleotide position 4671. The serine at codon 1557 is replaced by arginine, an amino acid with dissimilar properties. This variant was detected as heterozygous in individual(s) with no reported features of tuberous sclerosis complex (Ambry internal data). This amino acid position is not well conserved in available vertebrate species. In addition, the in silico prediction for this alteration is inconclusive. Based on the available evidence, the clinical significance of this variant remains unclear.

Labcorp Genetics (formerly Invitae), Labcorp
Classification: Uncertain significance for Tuberous sclerosis 2. Last evaluated: 2025-10-14. Review status: criteria provided, single submitter. Criteria: Invitae Variant Classification Sherloc (09022015). Collection method: clinical testing. Allele origin: germline.
Comment: This sequence change replaces serine, which is neutral and polar, with arginine, which is basic and polar, at codon 1557 of the TSC2 protein (p.Ser1557Arg). This variant is not present in population databases (gnomAD no frequency). This variant has not been reported in the literature in individuals affected with TSC2-related conditions. ClinVar contains an entry for this variant (Variation ID: 230643). Invitae Evidence Modeling of protein sequence and biophysical properties (such as structural, functional, and spatial information, amino acid conservation, physicochemical variation, residue mobility, and thermodynamic stability) indicates that this missense variant is not expected to disrupt TSC2 protein function with a negative predictive value of 95%. In summary, the available evidence is currently insufficient to determine the role of this variant in disease. Therefore, it has been classified as a Variant of Uncertain Significance.

All of Us Research Program, National Institutes of Health
Classification: Uncertain significance for Tuberous sclerosis syndrome. Last evaluated: 2023-11-30. Review status: criteria provided, single submitter. Criteria: ACMG Guidelines, 2015. Collection method: clinical testing. Allele origin: germline. Inheritance: Autosomal dominant inheritance. Observed: 1 variant allele, 1 heterozygote.
Comment: This study involves interpretation of variants in research participants for the purpose of population health screening. Participant phenotype was not available at the time of variant classification. Additional details can be found in publication PMID: 35346344, PMCID: PMC8962531

GeneDx
Classification: Uncertain significance. Last evaluated: 2022-06-03. Review status: criteria provided, single submitter. Criteria: GeneDx Variant Classification Process June 2021. Collection method: clinical testing. Allele origin: germline. Affected: yes.
Comment: Not observed at significant frequency in large population cohorts (gnomAD); In silico analysis supports that this missense variant does not alter protein structure/function; Has not been previously published as pathogenic or benign to our knowledge; This variant is associated with the following publications: (PMID: 18466115)

Fulgent Genetics
Classification: Uncertain significance for Lymphangiomyomatosis; Isolated focal cortical dysplasia type II; Tuberous sclerosis 2. Last evaluated: 2021-12-27. Review status: criteria provided, single submitter. Criteria: ACMG Guidelines, 2015. Collection method: clinical testing. Allele origin: unknown.

Genome-Nilou Lab
Classification: Uncertain significance for Tuberous sclerosis 2. Last evaluated: 2021-11-07. Review status: criteria provided, single submitter. Criteria: ACMG Guidelines, 2015. Collection method: clinical testing. Allele origin: germline. Affected: no.